The following is an entry in ClinVar:

NM_001283009.2(RTEL1):c.3787del (p.Gln1263fs)

Genes: RTEL1-TNFRSF6B (RTEL1-TNFRSF6B readthrough (NMD candidate); plus strand), RTEL1 (regulator of telomere elongation helicase 1; plus strand). Cytogenetic location: 20q13.33.
Variant type: Deletion.
Coding change: c.3787del on transcript NM_001283009.2 (MANE Select); coding-DNA position 3787, one base deleted (C; older notation c.3787delC).
Protein change: p.Gln1263fs; shifts the reading frame from glutamine 1263.
Molecular consequence: frameshift variant. On other transcripts: intron variant (3), non-coding transcript variant (1).
Genome position (GRCh38, 1-based): chr20:63,695,615, C deleted; the last of 2 consecutive C bases (chr20:63,695,614-63,695,615); deleting either gives the same sequence. VCF-style (leftmost placement, unchanged base first): chr20-63695613-TC-T. GRCh37 (hg19) VCF-style: chr20-62326966-TC-T.
Other names: c.2983+135del (NM_001283010.1); c.3724+135del (NM_032957.5); c.3652+135del (NM_016434.4); short protein forms Q1263fs.
Identifiers: ClinVar variation 1068395 (VCV001068395.9), dbSNP rs2145480981, ClinGen allele CA2499225841.

ClinVar aggregate classification (germline): Likely pathogenic (1 of 4 stars; one submission).

Conditions:
Dyskeratosis congenita, autosomal recessive 5 (DKCB5). Identifiers: MedGen C3554656, MONDO:0014076, OMIM 615190.
Pulmonary fibrosis and/or bone marrow failure, Telomere-related, 3. Also called: PULMONARY FIBROSIS AND/OR BONE MARROW FAILURE SYNDROME, TELOMERE-RELATED, 3. Identifiers: Orphanet 2032, MedGen C4225346, MONDO:0014613, OMIM 616373.

Submission:

Labcorp Genetics (formerly Invitae), Labcorp
Classification: Likely pathogenic for Dyskeratosis congenita, autosomal recessive 5; Pulmonary fibrosis and/or bone marrow failure, Telomere-related, 3. Last evaluated: 2020-05-20. Review status: criteria provided, single submitter. Criteria: Invitae Variant Classification Sherloc (09022015). Collection method: clinical testing. Allele origin: germline.
Comment: This sequence change results in a frameshift in the RTEL1 gene (p.Gln1263Serfs*101). While this is not anticipated to result in nonsense mediated decay, it is expected to disrupt the last 38 amino acids of the RTEL1 protein and extend the protein by an additional 62 amino acids. In summary, the currently available evidence indicates that the variant is pathogenic, but additional data are needed to prove that conclusively. Therefore, this variant has been classified as Likely Pathogenic. This variant disrupts the p.Arg1264 amino acid residue in RTEL1. Other variant(s) that disrupt this residue have been determined to be pathogenic (PMID: 25047097, 23453664, 24009516, 25099625, 26025130, 24009516, 25620558). This suggests that this residue is clinically significant, and that variants that disrupt this residue are likely to be disease-causing. This variant has not been reported in the literature in individuals with RTEL1-related conditions. This variant is not present in population databases (ExAC no frequency).

Literature cited by the submitters: PubMed 25047097; PubMed 23453664; PubMed 24009516; PubMed 25099625; PubMed 26025130; PubMed 25620558.